The following is an entry in ClinVar:

ClinVar aggregate classification (germline): Uncertain significance (1 of 4 stars; one submission).

Conditions:
Multiple congenital anomalies-hypotonia-seizures syndrome 3 (MCAHS3). Also called: GLYCOSYLPHOSPHATIDYLINOSITOL BIOSYNTHESIS DEFECT 7. Identifiers: Orphanet 369837, MedGen C3809356, MONDO:0014165, OMIM 615398.

Allele frequency attached by ClinVar (database versions not stated): gnomAD exomes below 0.00001.
gnomAD v4.1: 2 of 1,597,146 alleles (0.00013%); highest among the groups gnomAD compares: Admixed American, 0.0035%; no homozygotes.

Submission:

Labcorp Genetics (formerly Invitae), Labcorp
Classification: Uncertain significance for Multiple congenital anomalies-hypotonia-seizures syndrome 3. Last evaluated: 2022-08-06. Review status: criteria provided, single submitter. Criteria: Invitae Variant Classification Sherloc (09022015). Collection method: clinical testing. Allele origin: germline.
Comment: In summary, the available evidence is currently insufficient to determine the role of this variant in disease. Therefore, it has been classified as a Variant of Uncertain Significance. Algorithms developed to predict the effect of missense changes on protein structure and function (SIFT, PolyPhen-2, Align-GVGD) all suggest that this variant is likely to be tolerated. ClinVar contains an entry for this variant (Variation ID: 1020310). This variant has not been reported in the literature in individuals affected with PIGT-related conditions. This variant is not present in population databases (gnomAD no frequency). This sequence change replaces proline, which is neutral and non-polar, with leucine, which is neutral and non-polar, at codon 25 of the PIGT protein (p.Pro25Leu).

NM_015937.6(PIGT):c.74C>T (p.Pro25Leu)

Gene: PIGT (phosphatidylinositol glycan anchor biosynthesis class T; plus strand). Cytogenetic location: 20q13.12.
Variant type: single nucleotide variant.
Coding change: c.74C>T on transcript NM_015937.6 (MANE Select); coding-DNA position 74, C replaced by T.
Protein change: p.Pro25Leu; replaces proline 25 with leucine.
Molecular consequence: missense variant. On other transcripts: non-coding transcript variant (5).
Genome position (GRCh38, 1-based): chr20:45,416,230, C>T. VCF-style: chr20-45416230-C-T. GRCh37 (hg19) VCF-style: chr20-44044870-C-T.
Other names: c.74C>T, p.Pro25Leu (NM_001184728.3, NM_001184729.3, NM_001184730.3); short protein forms P25L.
Identifiers: ClinVar variation 1020310 (VCV001020310.5), dbSNP rs1227162426, ClinGen allele CA409165774.